The following is an entry in ClinVar:

NM_001014979.3(CFAP119):c.849G>A (p.Lys283=)

Genes: CFAP119 (cilia and flagella associated protein 119; minus strand), PHKG2 (phosphorylase kinase catalytic subunit gamma 2; plus strand). Cytogenetic location: 16p11.2.
Variant type: single nucleotide variant.
Coding change: c.849G>A on transcript NM_001014979.3 (MANE Select); coding-DNA position 849, G replaced by A.
Protein change: p.Lys283=; no amino-acid change (lysine 283 retained).
Molecular consequence: synonymous variant. On other transcripts: 3 prime UTR variant (1), intron variant (1).
Genome position (GRCh38, 1-based): chr16:30,757,623, C>T on the plus strand (G>A on the coding strand, the complement: CFAP119 is on the minus strand). VCF-style: chr16-30757623-C-T. GRCh37 (hg19) VCF-style: chr16-30768944-C-T.
Other names: c.*526C>T (NM_000294.3); c.1083+664C>T (NM_001172432.2).
Identifiers: ClinVar variation 4280949 (VCV004280949.7).

ClinVar aggregate classification (germline): Likely benign (1 of 4 stars; one submission).

gnomAD v4.1: 126 of 1,613,952 alleles (0.0078%); highest among the groups gnomAD compares: Admixed American, 0.013%; no homozygotes.

Submission:

CeGaT Center for Human Genetics Tuebingen
Classification: Likely benign. Last evaluated: 2025-08-01. Review status: criteria provided, single submitter. Criteria: CeGaT Center For Human Genetics Tuebingen Variant Classification Criteria Version 2. Collection method: clinical testing. Allele origin: germline. Affected: yes. Observed: 1 variant allele.
Comment: CFAP119: BP4, BP7